The following is an entry in ClinVar:

NM_000093.5(COL5A1):c.5062G>C (p.Glu1688Gln)

Genes: COL5A1 (collagen type V alpha 1 chain; plus strand), LOC101448202 (uncharacterized LOC101448202; minus strand). Cytogenetic location: 9q34.3.
Variant type: single nucleotide variant.
Coding change: c.5062G>C on transcript NM_000093.5 (MANE Select); coding-DNA position 5062, G replaced by C.
Protein change: p.Glu1688Gln; replaces glutamic acid 1688 with glutamine.
Molecular consequence: missense variant.
Genome position (GRCh38, 1-based): chr9:134,825,899, G>C. VCF-style: chr9-134825899-G-C. GRCh37 (hg19) VCF-style: chr9-137717745-G-C.
Other names: c.5062G>C, p.Glu1688Gln (NM_001278074.1); short protein forms E1688Q.
Identifiers: ClinVar variation 3678301 (VCV003678301.2).

ClinVar aggregate classification (germline): Uncertain significance (1 of 4 stars; one submission).

Conditions:
Ehlers-Danlos syndrome, classic type, 1 (EDSCL1). Also called: EHLERS-DANLOS SYNDROME, GRAVIS TYPE; EHLERS-DANLOS SYNDROME, SEVERE CLASSIC TYPE; Ehlers-Danlos syndrome, type 1; Ehlers-Danlos Syndrome, Classic Type, COL5A1-Related; EDS I. Identifiers: MedGen C0268335, MONDO:0019567, OMIM 130000.

gnomAD v4.1: 1 of 1,609,398 alleles (0.000062%); highest among the groups gnomAD compares: Non-Finnish European, 0.000085%; no homozygotes.

Submission:

Labcorp Genetics (formerly Invitae), Labcorp
Classification: Uncertain significance for Ehlers-Danlos syndrome, classic type, 1. Last evaluated: 2024-10-29. Review status: criteria provided, single submitter. Criteria: Invitae Variant Classification Sherloc (09022015). Collection method: clinical testing. Allele origin: germline.
Comment: This sequence change replaces glutamic acid, which is acidic and polar, with glutamine, which is neutral and polar, at codon 1688 of the COL5A1 protein (p.Glu1688Gln). This variant is not present in population databases (gnomAD no frequency). This variant has not been reported in the literature in individuals affected with COL5A1-related conditions. Invitae Evidence Modeling of protein sequence and biophysical properties (such as structural, functional, and spatial information, amino acid conservation, physicochemical variation, residue mobility, and thermodynamic stability) indicates that this missense variant is not expected to disrupt COL5A1 protein function with a negative predictive value of 95%. In summary, the available evidence is currently insufficient to determine the role of this variant in disease. Therefore, it has been classified as a Variant of Uncertain Significance.